The following is an entry in ClinVar:

ClinVar aggregate classification (germline): Conflicting classifications of pathogenicity. Review status: criteria provided, conflicting classifications (1 of 4 stars). 2 submissions from 2 submitters: Uncertain significance (1); Likely benign (1). Last evaluated 2025-03-01.

Conditions:
Hereditary cancer-predisposing syndrome. Also called: Hereditary neoplastic syndrome; Tumor predisposition; Neoplastic Syndromes, Hereditary; Hereditary Cancer Syndrome. Identifiers: Orphanet 140162, MedGen C0027672, MeSH D009386, MONDO:0015356.
Gorlin syndrome. Also called: Nevoid Basal Cell Carcinoma Syndrome; Basal cell nevus syndrome. Identifiers: Orphanet 377, MedGen C0004779, MONDO:0007187.

Allele frequency attached by ClinVar (database versions not stated): gnomAD exomes below 0.00001.
gnomAD v4.1: 1 of 1,614,064 alleles (0.000062%); highest among the groups gnomAD compares: Non-Finnish European, 0.000085%; no homozygotes.

Submissions (2):

Ambry Genetics
Classification: Likely benign for Hereditary cancer-predisposing syndrome. Last evaluated: 2025-03-01. Review status: criteria provided, single submitter. Criteria: Ambry Variant Classification Scheme 2023. Collection method: clinical testing. Allele origin: germline.

Labcorp Genetics (formerly Invitae), Labcorp
Classification: Uncertain significance for Gorlin syndrome. Last evaluated: 2024-08-15. Review status: criteria provided, single submitter. Criteria: Invitae Variant Classification Sherloc (09022015). Collection method: clinical testing. Allele origin: germline.
Comment: This sequence change replaces serine, which is neutral and polar, with asparagine, which is neutral and polar, at codon 1444 of the PTCH1 protein (p.Ser1444Asn). This variant is present in population databases (no rsID available, gnomAD 0.0009%). This variant has not been reported in the literature in individuals affected with PTCH1-related conditions. ClinVar contains an entry for this variant (Variation ID: 1477895). Invitae Evidence Modeling of protein sequence and biophysical properties (such as structural, functional, and spatial information, amino acid conservation, physicochemical variation, residue mobility, and thermodynamic stability) indicates that this missense variant is not expected to disrupt PTCH1 protein function with a negative predictive value of 95%. In summary, the available evidence is currently insufficient to determine the role of this variant in disease. Therefore, it has been classified as a Variant of Uncertain Significance.

NM_000264.5(PTCH1):c.4331G>A (p.Ser1444Asn)

Gene: PTCH1 (patched 1; minus strand). Cytogenetic location: 9q22.32.
Variant type: single nucleotide variant.
Coding change: c.4331G>A on transcript NM_000264.5 (MANE Select); coding-DNA position 4331, G replaced by A.
Protein change: p.Ser1444Asn; replaces serine 1444 with asparagine.
Molecular consequence: missense variant. On other transcripts: non-coding transcript variant (1).
Genome position (GRCh38, 1-based): chr9:95,446,925, C>T on the plus strand (G>A on the coding strand, the complement: PTCH1 is on the minus strand). VCF-style: chr9-95446925-C-T. GRCh37 (hg19) VCF-style: chr9-98209207-C-T.
Other names: c.4331G>A (NM_000264.3); c.4133G>A, p.Ser1378Asn (NM_001083602.3); c.4328G>A, p.Ser1443Asn (NM_001083603.3); c.3878G>A, p.Ser1293Asn (NM_001083604.3, NM_001083605.3, NM_001083606.3 and 1 more transcripts); c.4175G>A, p.Ser1392Asn (NM_001354918.2); short protein forms S1392N, S1444N, S1378N, S1443N, S1293N.
Identifiers: ClinVar variation 1477895 (VCV001477895.7), dbSNP rs1347860599, ClinGen allele CA374109799.